The following is an entry in ClinVar:

NM_003737.4(DCHS1):c.8147C>T (p.Ala2716Val)

Gene: DCHS1 (dachsous cadherin-related 1; minus strand). Cytogenetic location: 11p15.4.
Variant type: single nucleotide variant.
Coding change: c.8147C>T on transcript NM_003737.4 (MANE Select); coding-DNA position 8147, C replaced by T.
Protein change: p.Ala2716Val; replaces alanine 2716 with valine.
Molecular consequence: missense variant.
Genome position (GRCh38, 1-based): chr11:6,623,529, G>A on the plus strand (C>T on the coding strand, the complement: DCHS1 is on the minus strand). VCF-style: chr11-6623529-G-A. GRCh37 (hg19) VCF-style: chr11-6644760-G-A.
Other names: short protein forms A2716V.
Identifiers: ClinVar variation 1479632 (VCV001479632.6), dbSNP rs1224109337, ClinGen allele CA379481618.

ClinVar aggregate classification (germline): Uncertain significance (1 of 4 stars; one submission).

Allele frequency attached by ClinVar (database versions not stated): gnomAD exomes below 0.00001; gnomAD 0.00001; TOPMed 0.00002.

Submission:

Labcorp Genetics (formerly Invitae), Labcorp
Classification: Uncertain significance. Last evaluated: 2021-12-02. Review status: criteria provided, single submitter. Criteria: Invitae Variant Classification Sherloc (09022015). Collection method: clinical testing. Allele origin: germline.
Comment: Advanced modeling of protein sequence and biophysical properties (such as structural, functional, and spatial information, amino acid conservation, physicochemical variation, residue mobility, and thermodynamic stability) performed at Invitae indicates that this missense variant is not expected to disrupt DCHS1 protein function. This variant has not been reported in the literature in individuals affected with DCHS1-related conditions. This variant is not present in population databases (gnomAD no frequency). This sequence change replaces alanine, which is neutral and non-polar, with valine, which is neutral and non-polar, at codon 2716 of the DCHS1 protein (p.Ala2716Val). In summary, the available evidence is currently insufficient to determine the role of this variant in disease. Therefore, it has been classified as a Variant of Uncertain Significance.